The following is an entry in ClinVar:

NM_000371.4(TTR):c.69+5G>C

Gene: TTR (transthyretin; plus strand). Cytogenetic location: 18q12.1.
Variant type: single nucleotide variant.
Coding change: c.69+5G>C on transcript NM_000371.4 (MANE Select); 5 bases into the intron after coding-DNA position 69, G replaced by C.
Molecular consequence: intron variant.
Genome position (GRCh38, 1-based): chr18:31,591,976, G>C. VCF-style: chr18-31591976-G-C. GRCh37 (hg19) VCF-style: chr18-29171939-G-C.
Identifiers: ClinVar variation 930309 (VCV000930309.10), dbSNP rs1221178462, ClinGen allele CA629154265.

ClinVar aggregate classification (germline): Uncertain significance. Review status: criteria provided, multiple submitters, no conflicts (2 of 4 stars). 3 submissions from 3 submitters: Uncertain significance (3). Last evaluated 2026-02-01.

Conditions:
TTR-related disorder. Also called: TTR-related condition; TTR-related disorders.
Amyloidosis, hereditary systemic 1 (AMYLD1). Also called: Familial amyloid polyneuropathy; Transthyretin Amyloidosis; Amyloid Cardiomyopathy, Transthyretin-related; Hereditary oculoleptomeningeal amyloid angiopathy; Familial Transthyretin Amyloidosis; AMYLOID CARDIOMYOPATHY. Identifiers: Orphanet 85447, Orphanet 85451, MedGen C2751492, MONDO:0971004, OMIM 105210.

Allele frequency attached by ClinVar (database versions not stated): gnomAD exomes below 0.00001; gnomAD 0.00001.
gnomAD v4.1: 4 of 1,613,964 alleles (0.00025%); highest among the groups gnomAD compares: Non-Finnish European, 0.00034%; no homozygotes.

Submissions (3):

Labcorp Genetics (formerly Invitae), Labcorp
Classification: Uncertain significance for Amyloidosis, hereditary systemic 1. Last evaluated: 2026-02-01. Review status: criteria provided, single submitter. Criteria: Invitae Variant Classification Sherloc (09022015). Collection method: clinical testing. Allele origin: germline.
Comment: This sequence change falls in intron 1 of the TTR gene. It does not directly change the encoded amino acid sequence of the TTR protein. It affects a nucleotide within the consensus splice site. This variant is present in population databases (no rsID available, gnomAD 0.002%). This variant has been observed in individual(s) with polyneuropathy (PMID: 34658264). ClinVar contains an entry for this variant (Variation ID: 930309). Variants that disrupt the consensus splice site are a relatively common cause of aberrant splicing (PMID: 17576681, 9536098). Algorithms developed to predict the effect of sequence changes on RNA splicing suggest that this variant may disrupt the consensus splice site. In summary, the available evidence is currently insufficient to determine the role of this variant in disease. Therefore, it has been classified as a Variant of Uncertain Significance.

PreventionGenetics, part of Exact Sciences
Classification: Uncertain significance for TTR-related condition. Last evaluated: 2022-12-30. Review status: criteria provided, single submitter. Criteria: ACMG Guidelines, 2015. Collection method: clinical testing. Allele origin: germline.
Comment: The TTR c.69+5G>C variant is predicted to interfere with splicing. This variant was reported in an individual with polyneuropathy (Table 2, Skrahina et al 2021. PubMed ID: 34658264). This variant is reported in 0.013% of alleles in individuals of European (Non-Finnish) descent in gnomAD. Although we suspect that this variant may be pathogenic, at this time, the clinical significance of this variant is uncertain due to the absence of conclusive functional and genetic evidence.

Centre for Mendelian Genomics, University Medical Centre Ljubljana
Classification: Uncertain significance for Amyloidosis, hereditary systemic 1. Last evaluated: 2018-11-30. Review status: criteria provided, single submitter. Criteria: ACMG Guidelines, 2015. Collection method: clinical testing. Allele origin: unknown. Affected: yes.
Comment: This variant was classified as: Uncertain significance. The available evidence on this variant's pathogenicity is insufficient or conflicting. The following ACMG criteria were applied in classifying this variant: PP3.

Literature cited by the submitters: PubMed 34658264 (cited by Labcorp Genetics (formerly Invitae), Labcorp); PubMed 17576681 (cited by Labcorp Genetics (formerly Invitae), Labcorp); PubMed 9536098 (cited by Labcorp Genetics (formerly Invitae), Labcorp).